The following is an entry in ClinVar:

ClinVar aggregate classification (germline): Uncertain significance. Review status: criteria provided, multiple submitters, no conflicts (2 of 4 stars). 2 submissions from 2 submitters: Uncertain significance (2). Last evaluated 2023-06-16.

Conditions:
Fanconi anemia (FA). Also called: Fanconi's anemia. Identifiers: Orphanet 84, MedGen C0015625, MeSH D005199, MONDO:0019391.

Submissions (2):

GeneDx
Classification: Uncertain significance. Last evaluated: 2023-06-16. Review status: criteria provided, single submitter. Criteria: GeneDx Variant Classification Process June 2021. Collection method: clinical testing. Allele origin: germline. Affected: yes.
Comment: Not observed at significant frequency in large population cohorts (gnomAD); In silico analysis supports that this missense variant does not alter protein structure/function; Has not been previously published as pathogenic or benign to our knowledge

Labcorp Genetics (formerly Invitae), Labcorp
Classification: Uncertain significance for Fanconi anemia. Last evaluated: 2023-02-16. Review status: criteria provided, single submitter. Criteria: Invitae Variant Classification Sherloc (09022015). Collection method: clinical testing. Allele origin: germline.
Comment: In summary, the available evidence is currently insufficient to determine the role of this variant in disease. Therefore, it has been classified as a Variant of Uncertain Significance. Advanced modeling of protein sequence and biophysical properties (such as structural, functional, and spatial information, amino acid conservation, physicochemical variation, residue mobility, and thermodynamic stability) performed at Invitae indicates that this missense variant is not expected to disrupt FANCD2 protein function. This variant has not been reported in the literature in individuals affected with FANCD2-related conditions. This variant is not present in population databases (gnomAD no frequency). This sequence change replaces serine, which is neutral and polar, with arginine, which is basic and polar, at codon 877 of the FANCD2 protein (p.Ser877Arg).

NM_001018115.3(FANCD2):c.2631C>G (p.Ser877Arg)

Genes: FANCD2 (FA complementation group D2; plus strand), LOC107303338 (3p25 FANCD2 Alu-mediated recombination region; plus strand). Cytogenetic location: 3p25.3.
Variant type: single nucleotide variant.
Coding change: c.2631C>G on transcript NM_001018115.3 (MANE Select); coding-DNA position 2631, C replaced by G.
Protein change: p.Ser877Arg; replaces serine 877 with arginine.
Molecular consequence: missense variant.
Genome position (GRCh38, 1-based): chr3:10,073,278, C>G. VCF-style: chr3-10073278-C-G. GRCh37 (hg19) VCF-style: chr3-10114962-C-G.
Other names: c.2631C>G, p.Ser877Arg (NM_001319984.2, NM_001374254.1, NM_033084.6); c.2520C>G, p.Ser840Arg (NM_001374253.1); short protein forms S840R, S877R.
Identifiers: ClinVar variation 2695812 (VCV002695812.4), dbSNP rs2469993643, ClinGen allele CA351742485.